The following is an entry in ClinVar:

NM_006236.3(POU3F3):c.1048C>T (p.Leu350Phe)

Gene: POU3F3 (POU class 3 homeobox 3; plus strand). Cytogenetic location: 2q12.1.
Variant type: single nucleotide variant.
Coding change: c.1048C>T on transcript NM_006236.3 (MANE Select); coding-DNA position 1048, C replaced by T.
Protein change: p.Leu350Phe; replaces leucine 350 with phenylalanine.
Molecular consequence: missense variant.
Genome position (GRCh38, 1-based): chr2:104,856,558, C>T. VCF-style: chr2-104856558-C-T. GRCh37 (hg19) VCF-style: chr2-105473016-C-T.
Other names: c.1048C>T, p.Leu350Phe (NM_001433704.1); short protein forms L350F.
Identifiers: ClinVar variation 4533241 (VCV004533241.1).
Genomic context (GRCh38, chr2:104,856,558, plus strand): 5'-AAGCAGCGGCGCATCAAGCTGGGCTTCACGCAGGCCGACGTGGGGTTGGCGCTGGGCACA[C>T]TCTACGGCAACGTGTTCTCGCAGACCACCATCTGCCGCTTCGAGGCCCTGCAGCTGAGCT-3'
Protein context (NP_006227.1, residues 340-360): QADVGLALGT[Leu350Phe]YGNVFSQTTI

ClinVar aggregate classification (germline): Uncertain significance (1 of 4 stars; one submission).

Conditions:
Snijders blok-fisher syndrome. Identifiers: Orphanet 656135, MedGen C5231424, MONDO:0032830, OMIM 618604.

Submission:

Juno Genomics, Hangzhou Juno Genomics, Inc
Classification: Uncertain significance for Snijders blok-fisher syndrome. Review status: criteria provided, single submitter. Criteria: ACMG Guidelines, 2015. Collection method: clinical testing. Allele origin: germline. Affected: yes.
Comment: Absent from controls (or at extremely low frequency if recessive) in Genome Aggregation Database, Exome Sequencing Project, 1000 Genomes Project, or Exome Aggregation Consortium.;Multiple lines of computational evidence support a deleterious effect on the gene or gene product (conservation, evolutionary, splicing impact, etc).